The following is an entry in ClinVar:

ClinVar aggregate classification (germline): Uncertain significance. Review status: criteria provided, multiple submitters, no conflicts (2 of 4 stars). 4 submissions from 4 submitters: Uncertain significance (3). 1 of the submissions does not count toward it. Last evaluated 2025-10-17.

Conditions:
Inborn genetic diseases. Identifiers: MedGen C0950123, MeSH D030342.
MHC class II deficiency. Also called: BLS, TYPE II; Bare lymphocyte syndrome 2. Identifiers: Orphanet 572, MedGen C5447452, MONDO:0008855.

Allele frequency attached by ClinVar (database versions not stated): gnomAD 0.00006 and 0.00009; gnomAD exomes 0.00011 and 0.00012; ExAC 0.00015; 1000 Genomes Project 30x 0.00016; TOPMed 0.00017; 1000 Genomes Project 0.00020.
gnomAD v4.1: 181 of 1,613,236 alleles (0.011%); highest among the groups gnomAD compares: Admixed American, 0.043%; no homozygotes.

Submissions (4):

Ambry Genetics
Classification: Uncertain significance for Inborn genetic diseases. Last evaluated: 2025-10-17. Review status: criteria provided, single submitter. Criteria: Ambry Variant Classification Scheme 2023. Collection method: clinical testing. Allele origin: germline.

Blueprint Genetics
Classification: Uncertain significance. Last evaluated: 2024-11-08. Review status: criteria provided, single submitter. Criteria: ACMG Guidelines, 2015. Collection method: clinical testing. Allele origin: germline.

Labcorp Genetics (formerly Invitae), Labcorp
Classification: Uncertain significance for MHC class II deficiency. Last evaluated: 2022-09-27. Review status: criteria provided, single submitter. Criteria: Invitae Variant Classification Sherloc (09022015). Collection method: clinical testing. Allele origin: germline.
Comment: This sequence change replaces glutamic acid, which is acidic and polar, with glycine, which is neutral and non-polar, at codon 15 of the CIITA protein (p.Glu15Gly). This variant is present in population databases (rs572170388, gnomAD 0.04%). This variant has not been reported in the literature in individuals affected with CIITA-related conditions. ClinVar contains an entry for this variant (Variation ID: 571550). Algorithms developed to predict the effect of missense changes on protein structure and function (SIFT, PolyPhen-2, Align-GVGD) all suggest that this variant is likely to be tolerated. In summary, the available evidence is currently insufficient to determine the role of this variant in disease. Therefore, it has been classified as a Variant of Uncertain Significance.

Natera, Inc.
Classification: Uncertain significance for Bare lymphocyte syndrome type II. Last evaluated: 2020-05-13. Review status: no assertion criteria provided. Collection method: clinical testing. Allele origin: germline. Not counted in ClinVar's aggregate classification.

NM_000246.4(CIITA):c.44A>G (p.Glu15Gly)

Genes: CIITA (class II major histocompatibility complex transactivator; plus strand), LOC130058443 (ATAC-STARR-seq lymphoblastoid active region 10394; plus strand). Cytogenetic location: 16p13.13.
Variant type: single nucleotide variant.
Coding change: c.44A>G on transcript NM_000246.4 (MANE Select); coding-DNA position 44, A replaced by G.
Protein change: p.Glu15Gly; replaces glutamic acid 15 with glycine.
Molecular consequence: missense variant. On other transcripts: non-coding transcript variant (1).
Genome position (GRCh38, 1-based): chr16:10,877,374, A>G. VCF-style: chr16-10877374-A-G. GRCh37 (hg19) VCF-style: chr16-10971231-A-G.
Other names: c.44A>G, p.Glu15Gly (NM_001286402.1, NM_001286403.2, NM_001379330.1 and 3 more transcripts); short protein forms E15G.
Identifiers: ClinVar variation 571550 (VCV000571550.9), dbSNP rs572170388, ClinGen allele CA7899535.